The following is an entry in ClinVar:

NM_001354930.2(RIPK1):c.1541C>G (p.Thr514Arg)

Gene: RIPK1 (receptor interacting serine/threonine kinase 1; plus strand). Cytogenetic location: 6p25.2.
Variant type: single nucleotide variant.
Coding change: c.1541C>G on transcript NM_001354930.2 (MANE Select); coding-DNA position 1541, C replaced by G.
Protein change: p.Thr514Arg; replaces threonine 514 with arginine.
Molecular consequence: missense variant.
Genome position (GRCh38, 1-based): chr6:3,106,016, C>G. VCF-style: chr6-3106016-C-G. GRCh37 (hg19) VCF-style: chr6-3106250-C-G.
Other names: c.1052C>G, p.Thr351Arg (NM_001317061.3, NM_001354932.2, NM_001354933.2 and 1 more transcripts); c.1403C>G, p.Thr468Arg (NM_001354931.2); c.1541C>G, p.Thr514Arg (NM_003804.6); short protein forms T468R, T514R, T351R.
Identifiers: ClinVar variation 4709274 (VCV004709274.1).

ClinVar aggregate classification (germline): Uncertain significance (1 of 4 stars; one submission).

gnomAD v4.1: 4 of 1,612,000 alleles (0.00025%); highest among the groups gnomAD compares: African/African-American, 0.0013%; no homozygotes.

Submission:

Labcorp Genetics (formerly Invitae), Labcorp
Classification: Uncertain significance. Last evaluated: 2025-07-07. Review status: criteria provided, single submitter. Criteria: Invitae Variant Classification Sherloc (09022015). Collection method: clinical testing. Allele origin: germline.
Comment: This sequence change replaces threonine, which is neutral and polar, with arginine, which is basic and polar, at codon 514 of the RIPK1 protein (p.Thr514Arg). This variant is not present in population databases (gnomAD no frequency). This variant has not been reported in the literature in individuals affected with RIPK1-related conditions. An algorithm developed to predict the effect of missense changes on protein structure and function (PolyPhen-2) suggests that this variant is likely to be disruptive. In summary, the available evidence is currently insufficient to determine the role of this variant in disease. Therefore, it has been classified as a Variant of Uncertain Significance.